The following is an entry in ClinVar:

ClinVar aggregate classification (germline): Likely benign. Review status: criteria provided, multiple submitters, no conflicts (2 of 4 stars). 6 submissions from 6 submitters: Likely benign (6). Last evaluated 2026-01-24.

Conditions:
Cardiovascular phenotype. Identifiers: MedGen CN230736.
Hereditary cancer-predisposing syndrome. Also called: Hereditary neoplastic syndrome; Neoplastic Syndromes, Hereditary; Tumor predisposition; Hereditary Cancer Syndrome. Identifiers: Orphanet 140162, MedGen C0027672, MeSH D009386, MONDO:0015356.
Neurofibromatosis, familial spinal (FSNF). Identifiers: Orphanet 636, MedGen C1834235, MONDO:0008078, OMIM 162210. Disease mechanism: loss of function.
Neurofibromatosis, type 1 (NF1). Also called: VON RECKLINGHAUSEN DISEASE; Peripheral type neurofibromatosis; NEUROFIBROMATOSIS, TYPE I, SOMATIC; Neurofibromatosis, type I. Identifiers: Orphanet 636, MedGen C0027831, MONDO:0018975, OMIM 162200. Disease mechanism: loss of function.

Allele frequency attached by ClinVar (database versions not stated): gnomAD exomes 0.00001; TOPMed 0.00001; ExAC 0.00002.
gnomAD v4.1: 4 of 1,613,558 alleles (0.00025%); highest among the groups gnomAD compares: Middle Eastern, 0.016%; no homozygotes.

Submissions (6):

Labcorp Genetics (formerly Invitae), Labcorp
Classification: Likely benign for Neurofibromatosis, type 1. Last evaluated: 2026-01-24. Review status: criteria provided, single submitter. Criteria: Invitae Variant Classification Sherloc (09022015). Collection method: clinical testing. Allele origin: germline.

KCCC/NGS Laboratory, Kuwait Cancer Control Center
Classification: Likely benign for Neurofibromatosis, familial spinal. Last evaluated: 2023-07-07. Review status: criteria provided, single submitter. Criteria: ACMG Guidelines, 2015. Collection method: clinical testing. Allele origin: germline. Affected: yes.

Genome-Nilou Lab
Classification: Likely benign for Neurofibromatosis, type 1. Last evaluated: 2022-03-15. Review status: criteria provided, single submitter. Criteria: ACMG Guidelines, 2015. Collection method: clinical testing. Allele origin: germline. Affected: no.

Genetic Services Laboratory, University of Chicago
Classification: Likely benign. Last evaluated: 2020-04-27. Review status: criteria provided, single submitter. Criteria: ACMG Guidelines, 2015. Collection method: clinical testing. Allele origin: germline. Affected: no.

GeneDx
Classification: Likely benign. Last evaluated: 2018-03-14. Review status: criteria provided, single submitter. Criteria: GeneDx Variant Classification (06012015). Collection method: clinical testing. Allele origin: germline. Affected: yes.
Comment: This variant is considered likely benign or benign based on one or more of the following criteria: it is a conservative change, it occurs at a poorly conserved position in the protein, it is predicted to be benign by multiple in silico algorithms, and/or has population frequency not consistent with disease.

Ambry Genetics
Classification: Likely benign for Cardiovascular phenotype; Hereditary cancer-predisposing syndrome. Last evaluated: 2016-08-15. Review status: criteria provided, single submitter. Criteria: Ambry Variant Classification Scheme 2023. Collection method: clinical testing. Allele origin: germline.

NM_001042492.3(NF1):c.5280T>C (p.Thr1760=)

Gene: NF1 (neurofibromin 1; plus strand). Cytogenetic location: 17q11.2.
Variant type: single nucleotide variant.
Coding change: c.5280T>C on transcript NM_001042492.3 (MANE Select); coding-DNA position 5280, T replaced by C.
Protein change: p.Thr1760=; no amino-acid change (threonine 1760 retained).
Molecular consequence: synonymous variant.
Genome position (GRCh38, 1-based): chr17:31,327,510, T>C. VCF-style: chr17-31327510-T-C. GRCh37 (hg19) VCF-style: chr17-29654528-T-C.
Other names: c.5217T>C, p.Thr1739= (NM_000267.4).
Identifiers: ClinVar variation 480120 (VCV000480120.17), dbSNP rs779104728, ClinGen allele CA8487170.